The following is an entry in ClinVar:

ClinVar aggregate classification (germline): Pathogenic. Review status: criteria provided, multiple submitters, no conflicts (2 of 4 stars). 3 submissions from 2 submitters: Pathogenic (3). Last evaluated 2025-08-25.

Conditions:
Intellectual disability, autosomal dominant 14 (CSS2). Also called: COFFIN-SIRIS SYNDROME 2. Identifiers: Orphanet 1465, MedGen C3553247, MONDO:0013819, OMIM 614607.
ARID1A-related BAFopathy.

Submissions (3):

Daryl Scott Lab, Baylor College of Medicine
Classification: Pathogenic for Intellectual disability, autosomal dominant 14. Last evaluated: 2025-08-25. Review status: criteria provided, single submitter. Criteria: ACMG Guidelines, 2015. Collection method: clinical testing. Allele origin: de novo. Affected: yes. Observed: 1 heterozygote.
Comment: PVS1, PS2, PM2

Baylor Genetics
Classification: Pathogenic for ARID1A-related BAFopathy. Last evaluated: 2021-06-10. Review status: criteria provided, single submitter. Criteria: ACMG Guidelines, 2015. Collection method: clinical testing. Allele origin: de novo. Affected: yes.

Baylor Genetics
Classification: Pathogenic for Intellectual disability, autosomal dominant 14. Last evaluated: 2017-09-01. Review status: criteria provided, single submitter. Criteria: ACMG Guidelines, 2015. Collection method: clinical testing. Allele origin: de novo. Inheritance: Autosomal dominant inheritance. Affected: yes.
Comment: This nonsense mutation is categorized as deleterious according to ACMG guidelines (PMID:18414213).

Literature cited by the submitters: PubMed 25326635 (cited by Baylor Genetics).

NM_006015.6(ARID1A):c.1348C>T (p.Gln450Ter)

Gene: ARID1A (AT-rich interaction domain 1A; plus strand). Cytogenetic location: 1p36.11.
Variant type: single nucleotide variant.
Coding change: c.1348C>T on transcript NM_006015.6 (MANE Select); coding-DNA position 1348, C replaced by T.
Protein change: p.Gln450Ter; replaces glutamine 450 with a stop codon.
Molecular consequence: nonsense.
Genome position (GRCh38, 1-based): chr1:26,729,861, C>T. VCF-style: chr1-26729861-C-T. GRCh37 (hg19) VCF-style: chr1-27056352-C-T.
Other names: c.1348C>T (LRG_875t1); c.1348C>T, p.Gln450Ter (NM_139135.4); short protein forms Q450*.
Identifiers: ClinVar variation 560946 (VCV000560946.4), dbSNP rs1557591264, ClinGen allele CA339267851.